The following is an entry in ClinVar:

NM_021930.6(RINT1):c.1155C>T (p.Ala385=)

Gene: RINT1 (RAD50 interactor 1; plus strand). Cytogenetic location: 7q22.3.
Variant type: single nucleotide variant.
Coding change: c.1155C>T on transcript NM_021930.6 (MANE Select); coding-DNA position 1155, C replaced by T.
Protein change: p.Ala385=; no amino-acid change (alanine 385 retained).
Molecular consequence: synonymous variant. On other transcripts: non-coding transcript variant (1).
Genome position (GRCh38, 1-based): chr7:105,550,308, C>T. VCF-style: chr7-105550308-C-T. GRCh37 (hg19) VCF-style: chr7-105190755-C-T.
Other names: c.921C>T, p.Ala307= (NM_001346599.2); c.132C>T, p.Ala44= (NM_001346600.2, NM_001346603.2); c.231C>T, p.Ala77= (NM_001346601.2); c.1155C>T (NM_021930.5).
Identifiers: ClinVar variation 416402 (VCV000416402.52), dbSNP rs757241087, ClinGen allele CA4426613.
Genomic context (GRCh38, chr7:105,550,308, plus strand): 5'-TGTATTTTTTTAGCTTGAATTTTCTCGGGGCCTTATGATGCTGGTTCTTGAGAAGTTAGC[C>T]ACTGATATTCCTTGTCTGCTATATGATGACAATCTCTTCTGTCATTTGGTGGATGAAGTA-3'
Protein context (NP_068749.3, residues 375-395): GLMMLVLEKL[Ala385=]TDIPCLLYDD

ClinVar aggregate classification (germline): Likely benign. Review status: criteria provided, multiple submitters, no conflicts (2 of 4 stars). 4 submissions from 4 submitters: Likely benign (4). Last evaluated 2026-02-11.

Conditions:
RINT1-related disorder. Also called: RINT1-related condition.

Allele frequency attached by ClinVar (database versions not stated): TOPMed 0.00007; gnomAD 0.00008 and 0.00009; gnomAD exomes 0.00011 and 0.00012; ExAC 0.00015.
gnomAD v4.1: 174 of 1,613,852 alleles (0.011%); highest among the groups gnomAD compares: Non-Finnish European, 0.013%; 1 homozygote.

Submissions (4):

PreventionGenetics, part of Exact Sciences
Classification: Likely benign for RINT1-related condition. Last evaluated: 2026-02-11. Review status: criteria provided, single submitter. Criteria: ACMG Guidelines, 2015. Collection method: clinical testing. Allele origin: germline.
Comment: This variant is classified as likely benign based on ACMG/AMP sequence variant interpretation guidelines (Richards et al. 2015 PMID: 25741868, with internal and published modifications).

Labcorp Genetics (formerly Invitae), Labcorp
Classification: Likely benign. Last evaluated: 2026-01-19. Review status: criteria provided, single submitter. Criteria: Invitae Variant Classification Sherloc (09022015). Collection method: clinical testing. Allele origin: germline.

CeGaT Center for Human Genetics Tuebingen
Classification: Likely benign. Last evaluated: 2025-05-01. Review status: criteria provided, single submitter. Criteria: CeGaT Center For Human Genetics Tuebingen Variant Classification Criteria Version 2. Collection method: clinical testing. Allele origin: germline. Affected: yes. Observed: 3 variant alleles.
Comment: RINT1: BP4, BP7

Ambry Genetics
Classification: Likely benign. Last evaluated: 2021-02-22. Review status: criteria provided, single submitter. Criteria: Ambry Variant Classification Scheme 2023. Collection method: clinical testing. Allele origin: germline.